The following is an entry in ClinVar:

ClinVar aggregate classification (germline): Uncertain significance. Review status: criteria provided, multiple submitters, no conflicts (2 of 4 stars). 2 submissions from 2 submitters: Uncertain significance (2). Last evaluated 2024-10-25.

Conditions:
Inborn genetic diseases. Identifiers: MedGen C0950123, MeSH D030342.
Leigh syndrome (NULS). Also called: Leigh's syndrome; LEIGH SYNDROME, NUCLEAR; Leigh Disease; Subacute necrotizing encephalopathy; Necrotizing encephalopathy infantile subacute of Leigh; Leigh's necrotizing encephalopathy. Identifiers: Orphanet 506, MedGen C2931891, MONDO:0009723, OMIM 256000.

Allele frequency attached by ClinVar (database versions not stated): gnomAD exomes below 0.00001; gnomAD 0.00001; TOPMed 0.00004.
gnomAD v4.1: 5 of 1,614,094 alleles (0.00031%); highest among the groups gnomAD compares: African/African-American, 0.0053%; no homozygotes.

Submissions (2):

Ambry Genetics
Classification: Uncertain significance for Inborn genetic diseases. Last evaluated: 2024-10-25. Review status: criteria provided, single submitter. Criteria: Ambry Variant Classification Scheme 2023. Collection method: clinical testing. Allele origin: germline.

Labcorp Genetics (formerly Invitae), Labcorp
Classification: Uncertain significance for Leigh syndrome. Last evaluated: 2022-08-21. Review status: criteria provided, single submitter. Criteria: Invitae Variant Classification Sherloc (09022015). Collection method: clinical testing. Allele origin: germline.
Comment: This sequence change replaces glutamic acid, which is acidic and polar, with glycine, which is neutral and non-polar, at codon 223 of the SURF1 protein (p.Glu223Gly). This variant is present in population databases (rs377275319, gnomAD 0.02%). This variant has not been reported in the literature in individuals affected with SURF1-related conditions. Algorithms developed to predict the effect of missense changes on protein structure and function (SIFT, PolyPhen-2, Align-GVGD) all suggest that this variant is likely to be tolerated. In summary, the available evidence is currently insufficient to determine the role of this variant in disease. Therefore, it has been classified as a Variant of Uncertain Significance.

NM_003172.4(SURF1):c.668A>G (p.Glu223Gly)

Gene: SURF1 (SURF1 cytochrome c oxidase assembly factor; minus strand). Cytogenetic location: 9q34.2.
Variant type: single nucleotide variant.
Coding change: c.668A>G on transcript NM_003172.4 (MANE Select); coding-DNA position 668, A replaced by G.
Protein change: p.Glu223Gly; replaces glutamic acid 223 with glycine.
Molecular consequence: missense variant.
Genome position (GRCh38, 1-based): chr9:133,352,529, T>C on the plus strand (A>G on the coding strand, the complement: SURF1 is on the minus strand). VCF-style: chr9-133352529-T-C. GRCh37 (hg19) VCF-style: chr9-136219384-T-C.
Other names: c.668A>G (NM_003172.2); c.341A>G, p.Glu114Gly (NM_001280787.1); short protein forms E114G, E223G.
Identifiers: ClinVar variation 2140848 (VCV002140848.2), dbSNP rs377275319, ClinGen allele CA200832378.
Genomic context (GRCh38, chr9:133,352,529, plus strand): 5'-GGCTCTGCGCCTGTGATTCTGGCCATAGCTTCCAGGTCTCGATAATGCCAGTGGTTCCTT[T>C]CTGGATTGTTCTCAGGGACAAAAGGCTGCCTGGTTTCTGTCAGCCTCACCATCCCAATGA-3'
Protein context (NP_003163.1, residues 213-233): RQPFVPENNP[Glu223Gly]RNHWHYRDLE